The following is an entry in ClinVar:

ClinVar aggregate classification (germline): Conflicting classifications of pathogenicity. Review status: criteria provided, conflicting classifications (1 of 4 stars). 2 submissions from 2 submitters: Uncertain significance (1); Likely benign (1). Last evaluated 2025-01-13.

Allele frequency attached by ClinVar (database versions not stated): ExAC 0.00001; gnomAD exomes 0.00001.
gnomAD v4.1: 11 of 1,599,110 alleles (0.00069%); highest among the groups gnomAD compares: Middle Eastern, 0.017%; no homozygotes.

Submissions (2):

Labcorp Genetics (formerly Invitae), Labcorp
Classification: Likely benign. Last evaluated: 2025-01-13. Review status: criteria provided, single submitter. Criteria: Invitae Variant Classification Sherloc (09022015). Collection method: clinical testing. Allele origin: germline.

GeneDx
Classification: Uncertain significance. Last evaluated: 2021-03-04. Review status: criteria provided, single submitter. Criteria: GeneDx Variant Classification Process June 2021. Collection method: clinical testing. Allele origin: germline. Affected: yes.
Comment: Not observed at a significant frequency in large population cohorts (Lek et al., 2016); In silico analysis supports that this missense variant does not alter protein structure/function; Has not been previously published as pathogenic or benign to our knowledge

NM_001170629.2(CHD8):c.545G>A (p.Gly182Asp)

Gene: CHD8 (chromodomain helicase DNA binding protein 8; minus strand). Cytogenetic location: 14q11.2.
Variant type: single nucleotide variant.
Coding change: c.545G>A on transcript NM_001170629.2 (MANE Select); coding-DNA position 545, G replaced by A.
Protein change: p.Gly182Asp; replaces glycine 182 with aspartic acid.
Molecular consequence: missense variant. On other transcripts: intron variant (1).
Genome position (GRCh38, 1-based): chr14:21,431,099, C>T on the plus strand (G>A on the coding strand, the complement: CHD8 is on the minus strand). VCF-style: chr14-21431099-C-T. GRCh37 (hg19) VCF-style: chr14-21899258-C-T.
Other names: c.6+712G>A (NM_020920.4); short protein forms G182D.
Identifiers: ClinVar variation 1314155 (VCV001314155.6), dbSNP rs752375264, ClinGen allele CA7091943.